The following is an entry in ClinVar:

ClinVar aggregate classification (germline): Likely benign. Review status: criteria provided, multiple submitters, no conflicts (2 of 4 stars). 4 submissions from 4 submitters: Likely benign (4). Last evaluated 2026-01-01.

Conditions:
NEXMIF-related disorder. Also called: NEXMIF-related condition.

Allele frequency attached by ClinVar (database versions not stated): gnomAD exomes 0.00002 and 0.00006; TOPMed 0.00002; ExAC 0.00008.
gnomAD v4.1: 22 of 1,210,763 alleles (0.0018%); highest among the groups gnomAD compares: Non-Finnish European, 0.0025%; no homozygotes.

Submissions (4):

CeGaT Center for Human Genetics Tuebingen
Classification: Likely benign. Last evaluated: 2026-01-01. Review status: criteria provided, single submitter. Criteria: CeGaT Center For Human Genetics Tuebingen Variant Classification Criteria Version 2. Collection method: clinical testing. Allele origin: germline. Affected: yes. Observed: 3 variant alleles.
Comment: NEXMIF: BP4, BS2

Labcorp Genetics (formerly Invitae), Labcorp
Classification: Likely benign. Last evaluated: 2025-08-05. Review status: criteria provided, single submitter. Criteria: Invitae Variant Classification Sherloc (09022015). Collection method: clinical testing. Allele origin: germline.

PreventionGenetics, part of Exact Sciences
Classification: Likely benign for NEXMIF-related condition. Last evaluated: 2025-05-29. Review status: criteria provided, single submitter. Criteria: ACMG Guidelines, 2015. Collection method: clinical testing. Allele origin: germline.
Comment: This variant is classified as likely benign based on ACMG/AMP sequence variant interpretation guidelines (Richards et al. 2015 PMID: 25741868, with internal and published modifications).

Ambry Genetics
Classification: Likely benign. Last evaluated: 2025-05-03. Review status: criteria provided, single submitter. Criteria: Ambry Variant Classification Scheme 2023. Collection method: clinical testing. Allele origin: germline.

NM_001008537.3(NEXMIF):c.1415C>G (p.Ser472Cys)

Gene: NEXMIF (neurite extension and migration factor; minus strand). Cytogenetic location: Xq13.3.
Variant type: single nucleotide variant.
Coding change: c.1415C>G on transcript NM_001008537.3 (MANE Select); coding-DNA position 1415, C replaced by G.
Protein change: p.Ser472Cys; replaces serine 472 with cysteine.
Molecular consequence: missense variant.
Genome position (GRCh38, 1-based): chrX:74,743,142, G>C on the plus strand (C>G on the coding strand, the complement: NEXMIF is on the minus strand). VCF-style: chrX-74743142-G-C. GRCh37 (hg19) VCF-style: chrX-73962977-G-C.
Other names: c.1415C>G (NM_001008537.2); short protein forms S472C.
Identifiers: ClinVar variation 807766 (VCV000807766.51), dbSNP rs770738202, ClinGen allele CA10455123.